The following is an entry in ClinVar:

NM_004360.5(CDH1):c.1966A>G (p.Met656Val)

Gene: CDH1 (cadherin 1; plus strand). Cytogenetic location: 16q22.1.
Variant type: single nucleotide variant.
Coding change: c.1966A>G on transcript NM_004360.5 (MANE Select); coding-DNA position 1966, A replaced by G.
Protein change: p.Met656Val; replaces methionine 656 with valine.
Molecular consequence: missense variant. On other transcripts: initiator codon variant (1).
Genome position (GRCh38, 1-based): chr16:68,823,428, A>G. VCF-style: chr16-68823428-A-G. GRCh37 (hg19) VCF-style: chr16-68857331-A-G.
Other names: c.1783A>G, p.Met595Val (NM_001317184.2); c.418A>G, p.Met140Val (NM_001317185.2); c.1A>G, p.Met1Val (NM_001317186.2); short protein forms M140V, M1V, M656V, M595V.
Identifiers: ClinVar variation 2122379 (VCV002122379.5), dbSNP rs1596965571, ClinGen allele CA396467562.

ClinVar aggregate classification (germline): Uncertain significance (1 of 4 stars; one submission).

Conditions:
Hereditary diffuse gastric adenocarcinoma (HDGC). Also called: DIFFUSE GASTRIC AND LOBULAR BREAST CANCER SYNDROME. Identifiers: Orphanet 26106, MedGen C1708349, MONDO:0007648, OMIM 137215.

Submission:

Labcorp Genetics (formerly Invitae), Labcorp
Classification: Uncertain significance for Hereditary diffuse gastric adenocarcinoma. Last evaluated: 2022-04-07. Review status: criteria provided, single submitter. Criteria: Invitae Variant Classification Sherloc (09022015). Collection method: clinical testing. Allele origin: germline.
Comment: In summary, the available evidence is currently insufficient to determine the role of this variant in disease. Therefore, it has been classified as a Variant of Uncertain Significance. Algorithms developed to predict the effect of missense changes on protein structure and function output the following: SIFT: "Tolerated"; PolyPhen-2: "Benign"; Align-GVGD: "Class C0". The valine amino acid residue is found in multiple mammalian species, which suggests that this missense change does not adversely affect protein function. This variant has not been reported in the literature in individuals affected with CDH1-related conditions. This variant is not present in population databases (gnomAD no frequency). This sequence change replaces methionine, which is neutral and non-polar, with valine, which is neutral and non-polar, at codon 656 of the CDH1 protein (p.Met656Val).